The following is an entry in ClinVar:

NM_006031.6(PCNT):c.7619A>G (p.Gln2540Arg)

Gene: PCNT (pericentrin; plus strand). Cytogenetic location: 21q22.3.
Variant type: single nucleotide variant.
Coding change: c.7619A>G on transcript NM_006031.6 (MANE Select); coding-DNA position 7619, A replaced by G.
Protein change: p.Gln2540Arg; replaces glutamine 2540 with arginine.
Molecular consequence: missense variant.
Genome position (GRCh38, 1-based): chr21:46,428,519, A>G. VCF-style: chr21-46428519-A-G. GRCh37 (hg19) VCF-style: chr21-47848433-A-G.
Other names: c.7265A>G, p.Gln2422Arg (NM_001315529.2); short protein forms Q2422R, Q2540R.
Identifiers: ClinVar variation 3346052 (VCV003346052.1).
Genomic context (GRCh38, chr21:46,428,519, plus strand): 5'-AGATCCAGGCGCTGCGTGCCCAGCTGCGCATGACGCACCTGCAGAACCAGGAGAAGCTGC[A>G]GCACTTGCGCACGGCGCTGACAAGCGCAGAGGCGCGCGGGAGCCAGCAGGAGCACCAGCT-3'
Protein context (NP_006022.3, residues 2530-2550): MTHLQNQEKL[Gln2540Arg]HLRTALTSAE

ClinVar aggregate classification (germline): Uncertain significance (0 of 4 stars; one submission).

Conditions:
PCNT-related disorder. Also called: PCNT-related condition.

gnomAD v4.1: 2 of 1,611,640 alleles (0.00012%); highest among the groups gnomAD compares: Non-Finnish European, 0.00017%; no homozygotes.

Submission:

PreventionGenetics, part of Exact Sciences
Classification: Uncertain significance for PCNT-related condition. Last evaluated: 2024-09-07. Review status: no assertion criteria provided. Collection method: clinical testing. Allele origin: germline.
Comment: The PCNT c.7619A>G variant is predicted to result in the amino acid substitution p.Gln2540Arg. To our knowledge, this variant has not been reported in the literature or in a large population database, indicating this variant is rare. At this time, the clinical significance of this variant is uncertain due to the absence of conclusive functional and genetic evidence.